The following is an entry in ClinVar:

ClinVar aggregate classification (germline): Pathogenic/Likely pathogenic. Review status: criteria provided, multiple submitters, no conflicts (2 of 4 stars). 3 submissions from 3 submitters: Pathogenic (1); Likely pathogenic (1). 1 of the submissions does not count toward it. Last evaluated 2026-04-14.

Conditions:
Familial intrahepatic cholestasis. Identifiers: Orphanet 284385, MedGen CN296401, MONDO:0017290.
Progressive familial intrahepatic cholestasis type 2. Identifiers: Orphanet 79304, MedGen C3489789, MONDO:0011156, OMIM 601847.

Submissions (3):

Genomenon, Inc
Classification: Likely pathogenic for Familial intrahepatic cholestasis. Last evaluated: 2026-04-14. Review status: criteria provided, single submitter. Criteria: Genomenon Sequence Variant Interpretation Standards - Updated. Collection method: curation. Allele origin: germline. Affected: yes.
Comment: ABCB11 p.Val1257GlyfsTer40 (c.3767dup) is a frameshift variant that results in the production of a truncated protein. This variant has been observed in at least one proband with an ABCB11-related disorder (PMID:9806540). At least one functional study has demonstrated a substantial alteration in protein function relative to the wild-type (PMID:17947449). It is absent or not present at a significant frequency in gnomAD. In conclusion, we classify ABCB11 p.Val1257GlyfsTer40 (c.3767dup) as a likely pathogenic variant.

Labcorp Genetics (formerly Invitae), Labcorp
Classification: Pathogenic. Last evaluated: 2022-03-15. Review status: criteria provided, single submitter. Criteria: Invitae Variant Classification Sherloc (09022015). Collection method: clinical testing. Allele origin: germline.
Comment: For these reasons, this variant has been classified as Pathogenic. This variant disrupts a region of the ABCB11 protein in which other variant(s) (p.Glu1302*) have been determined to be pathogenic (PMID: 18395098, 31015375). This suggests that this is a clinically significant region of the protein, and that variants that disrupt it are likely to be disease-causing. ClinVar contains an entry for this variant (Variation ID: 6592). This variant is also known as 3767−3768 ins C. This premature translational stop signal has been observed in individual(s) with progressive familial intrahepatic cholestasis (PMID: 9806540). This variant is not present in population databases (gnomAD no frequency). This sequence change creates a premature translational stop signal (p.Val1257Glyfs*40) in the ABCB11 gene. While this is not anticipated to result in nonsense mediated decay, it is expected to disrupt the last 65 amino acid(s) of the ABCB11 protein.

OMIM
Classification: Pathogenic for CHOLESTASIS, PROGRESSIVE FAMILIAL INTRAHEPATIC, 2. Last evaluated: 1998-11-01. Review status: no assertion criteria provided. Collection method: literature only. Allele origin: germline. Not counted in ClinVar's aggregate classification.

Literature cited by the submitters: PubMed 9806540 (cited by 3 submitters); PubMed 17947449 (cited by Genomenon, Inc); PubMed 18395098 (cited by Labcorp Genetics (formerly Invitae), Labcorp); PubMed 31015375 (cited by Labcorp Genetics (formerly Invitae), Labcorp).

NM_003742.4(ABCB11):c.3767dup (p.Val1257fs)

Gene: ABCB11 (ATP binding cassette subfamily B member 11; minus strand). Cytogenetic location: 2q31.1.
Variant type: Duplication.
Coding change: c.3767dup on transcript NM_003742.4 (MANE Select); coding-DNA position 3767, one base duplicated (C; older notation c.3767dupC).
Protein change: p.Val1257fs; shifts the reading frame from valine 1257.
Molecular consequence: frameshift variant.
Genome position (GRCh38, 1-based): chr2:168,923,821, G duplicated on the plus strand (C on the coding strand, the reverse complement: ABCB11 is on the minus strand). VCF-style (leftmost placement, unchanged base first): chr2-168923820-C-CG. GRCh37 (hg19) VCF-style: chr2-169780330-C-CG.
Other names: c.3767dup, p.Val1257fs (LRG_1199t1); short protein forms V1257fs.
Identifiers: ClinVar variation 6592 (VCV000006592.6), dbSNP rs387907317, ClinGen allele CA261111.